The following is an entry in ClinVar:

NM_003998.4(NFKB1):c.354C>G (p.His118Gln)

Gene: NFKB1 (nuclear factor kappa B subunit 1; plus strand). Cytogenetic location: 4q24.
Variant type: single nucleotide variant.
Coding change: c.354C>G on transcript NM_003998.4 (MANE Select); coding-DNA position 354, C replaced by G.
Protein change: p.His118Gln; replaces histidine 118 with glutamine.
Molecular consequence: missense variant.
Genome position (GRCh38, 1-based): chr4:102,567,082, C>G. VCF-style: chr4-102567082-C-G. GRCh37 (hg19) VCF-style: chr4-103488239-C-G.
Other names: c.351C>G, p.His117Gln (NM_001165412.2, NM_001319226.2, NM_001382627.1); c.354C>G, p.His118Gln (NM_001382625.1, NM_001382626.1); c.312C>G, p.His104Gln (NM_001382628.1); short protein forms H104Q, H117Q, H118Q.
Identifiers: ClinVar variation 3692912 (VCV003692912.2).

ClinVar aggregate classification (germline): Uncertain significance (1 of 4 stars; one submission).

gnomAD v4.1: 2 of 1,613,990 alleles (0.00012%); highest among the groups gnomAD compares: Non-Finnish European, 0.00017%; no homozygotes.

Submission:

Labcorp Genetics (formerly Invitae), Labcorp
Classification: Uncertain significance. Last evaluated: 2024-09-06. Review status: criteria provided, single submitter. Criteria: Invitae Variant Classification Sherloc (09022015). Collection method: clinical testing. Allele origin: germline.
Comment: This sequence change replaces histidine, which is basic and polar, with glutamine, which is neutral and polar, at codon 118 of the NFKB1 protein (p.His118Gln). This variant is not present in population databases (gnomAD no frequency). This variant has not been reported in the literature in individuals affected with NFKB1-related conditions. Invitae Evidence Modeling of protein sequence and biophysical properties (such as structural, functional, and spatial information, amino acid conservation, physicochemical variation, residue mobility, and thermodynamic stability) indicates that this missense variant is not expected to disrupt NFKB1 protein function with a negative predictive value of 80%. In summary, the available evidence is currently insufficient to determine the role of this variant in disease. Therefore, it has been classified as a Variant of Uncertain Significance.